The following is an entry in ClinVar:

NM_001252024.2(TRPM1):c.1606G>A (p.Val536Met)

Gene: TRPM1 (transient receptor potential cation channel subfamily M member 1; minus strand). Cytogenetic location: 15q13.3.
Variant type: single nucleotide variant.
Coding change: c.1606G>A on transcript NM_001252024.2 (MANE Select); coding-DNA position 1606, G replaced by A.
Protein change: p.Val536Met; replaces valine 536 with methionine.
Molecular consequence: missense variant.
Genome position (GRCh38, 1-based): chr15:31,047,906, C>T on the plus strand (G>A on the coding strand, the complement: TRPM1 is on the minus strand). VCF-style: chr15-31047906-C-T. GRCh37 (hg19) VCF-style: chr15-31340109-C-T.
Other names: c.1657G>A, p.Val553Met (NM_001252020.2); c.1540G>A, p.Val514Met (NM_002420.6); short protein forms V553M, V514M, V536M.
Identifiers: ClinVar variation 2061873 (VCV002061873.4), dbSNP rs1417975117, ClinGen allele CA391515789.

ClinVar aggregate classification (germline): Uncertain significance (1 of 4 stars; one submission).

Allele frequency attached by ClinVar (database versions not stated): gnomAD exomes below 0.00001; TOPMed below 0.00001.
gnomAD v4.1: 6 of 1,613,808 alleles (0.00037%); highest among the groups gnomAD compares: Admixed American, 0.0017%; no homozygotes.

Submission:

Labcorp Genetics (formerly Invitae), Labcorp
Classification: Uncertain significance. Last evaluated: 2022-09-07. Review status: criteria provided, single submitter. Criteria: Invitae Variant Classification Sherloc (09022015). Collection method: clinical testing. Allele origin: germline.
Comment: In summary, the available evidence is currently insufficient to determine the role of this variant in disease. Therefore, it has been classified as a Variant of Uncertain Significance. Algorithms developed to predict the effect of missense changes on protein structure and function are either unavailable or do not agree on the potential impact of this missense change (SIFT: "Deleterious"; PolyPhen-2: "Probably Damaging"; Align-GVGD: "Class C0"). This variant has not been reported in the literature in individuals affected with TRPM1-related conditions. This variant is present in population databases (no rsID available, gnomAD 0.003%). This sequence change replaces valine, which is neutral and non-polar, with methionine, which is neutral and non-polar, at codon 514 of the TRPM1 protein (p.Val514Met).